The following is an entry in ClinVar:

NM_000419.5(ITGA2B):c.1252G>T (p.Gly418Cys)

Gene: ITGA2B (integrin subunit alpha 2b; minus strand). Cytogenetic location: 17q21.31.
Variant type: single nucleotide variant.
Coding change: c.1252G>T on transcript NM_000419.5 (MANE Select); coding-DNA position 1252, G replaced by T.
Protein change: p.Gly418Cys; replaces glycine 418 with cysteine.
Molecular consequence: missense variant.
Genome position (GRCh38, 1-based): chr17:44,381,020, C>A on the plus strand (G>T on the coding strand, the complement: ITGA2B is on the minus strand). VCF-style: chr17-44381020-C-A. GRCh37 (hg19) VCF-style: chr17-42458388-C-A.
Other names: NM_000419.5:c.1252G>T; short protein forms G418C.
Identifiers: ClinVar variation 3242399 (VCV003242399.1), dbSNP rs1354681237.

ClinVar aggregate classification (germline): Uncertain significance (3 of 4 stars; one submission).

Conditions:
Glanzmann thrombasthenia. Also called: PLATELET GLYCOPROTEIN IIb-IIIa DEFICIENCY; Thrombasthenia; Glanzmann's thrombasthenia; BLEEDING DISORDER, PLATELET-TYPE, 2; THROMBASTHENIA OF GLANZMANN AND NAEGELI. Identifiers: Orphanet 849, MedGen C0040015, MONDO:0100326.

Submission:

ClinGen Platelet Disorders Variant Curation Expert Panel, ClinGen
Classification: Uncertain significance for Glanzmann thrombasthenia. Last evaluated: 2024-05-02. Review status: reviewed by expert panel. Criteria: ClinGen Platelet ACMG Specifications v2-1. Collection method: curation. Allele origin: germline. Inheritance: Autosomal recessive inheritance.
Comment: The c.1252G>T variant in ITGA2B is a missense variant resulting in a substitution of Glycine by Cysteine at codon 418 (p.Gly418Cys). The highest population minor allele frequency in gnomAD v4.0 is 8.996e-7 (1/1111584 alleles) in the European (non-Finnish) population, which is lower than the ClinGen PD VCEP threshold (<0.0001; PM2_Supporting). Computational tools support a deleterious effect of the variant on the gene or gene product with REVEL score: 0.72 (PP3). At least one patient (in PMID: 33196509) with this variant displayed mucocutaneous bleeding and impaired aggregation with all agonists except ristocetin, which is highly specific for Glanzmann thrombasthenia (PP4_moderate). In summary, this variant meets the criteria to be classified as Variant of uncertain significance for autosomal recessive Glanzmann Thrombasthenia based on the ACMG/AMP criteria applied, as specified by the ClinGen PD VCEP: PM2_Supporting, PP3, PP4_Moderate. (VCEP specifications version 2; date of approval 05/02/2024)